The following is an entry in ClinVar:

ClinVar aggregate classification (germline): Likely benign (1 of 4 stars; one submission).

Conditions:
Hereditary diffuse gastric adenocarcinoma (HDGC). Also called: DIFFUSE GASTRIC AND LOBULAR BREAST CANCER SYNDROME. Identifiers: Orphanet 26106, MedGen C1708349, MONDO:0007648, OMIM 137215.

Submission:

Myriad Genetics, Inc.
Classification: Likely benign for Hereditary diffuse gastric adenocarcinoma. Last evaluated: 2024-09-16. Review status: criteria provided, single submitter. Criteria: Myriad Autosomal Dominant, Autosomal Recessive and X-Linked Classification Criteria (2023). Collection method: clinical testing. Allele origin: unknown.
Comment: This variant is considered likely benign. This variant is intronic and is not expected to impact mRNA splicing.

NM_004360.5(CDH1):c.833-11A>G

Gene: CDH1 (cadherin 1; plus strand). Cytogenetic location: 16q22.1.
Variant type: single nucleotide variant.
Coding change: c.833-11A>G on transcript NM_004360.5 (MANE Select); 11 bases into the intron before coding-DNA position 833, A replaced by G.
Molecular consequence: intron variant.
Genome position (GRCh38, 1-based): chr16:68,811,673, A>G. VCF-style: chr16-68811673-A-G. GRCh37 (hg19) VCF-style: chr16-68845576-A-G.
Other names: c.-783-11A>G (NM_001317185.2); c.-987-11A>G (NM_001317186.2); c.833-11A>G (NM_001317184.2).
Identifiers: ClinVar variation 3378744 (VCV003378744.1).